The following is an entry in ClinVar:

NM_182641.4(BPTF):c.2126A>G (p.Asn709Ser)

Gene: BPTF (bromodomain PHD finger transcription factor; plus strand). Cytogenetic location: 17q24.2.
Variant type: single nucleotide variant.
Coding change: c.2126A>G on transcript NM_182641.4 (MANE Select); coding-DNA position 2126, A replaced by G.
Protein change: p.Asn709Ser; replaces asparagine 709 with serine.
Molecular consequence: missense variant.
Genome position (GRCh38, 1-based): chr17:67,893,440, A>G. VCF-style: chr17-67893440-A-G. GRCh37 (hg19) VCF-style: chr17-65889556-A-G.
Other names: c.2504A>G, p.Asn835Ser (NM_004459.7); short protein forms N835S, N709S.
Identifiers: ClinVar variation 2341819 (VCV002341819.4), dbSNP rs772374423, ClinGen allele CA8725397.
Genomic context (GRCh38, chr17:67,893,440, plus strand): 5'-TTAACTCTCAAGGAGAAATTTCACGGTTGAGCACCAAAAAGGAAGTGATCATGAAAGGAA[A>G]TATCAACAATTATTTTAAATTGGGTCAAGAAGGGAAGTATCGCGTCTACCACAATCAATA-3'
Protein context (NP_872579.2, residues 699-719): STKKEVIMKG[Asn709Ser]INNYFKLGQE

ClinVar aggregate classification (germline): Likely benign. Review status: criteria provided, single submitter (1 of 4 stars). 2 submissions from 2 submitters: Likely benign (1). 1 of the submissions does not count toward it. Last evaluated 2022-09-22.

Conditions:
Inborn genetic diseases. Identifiers: MedGen C0950123, MeSH D030342.
BPTF-related disorder. Also called: BPTF-related condition.

Allele frequency attached by ClinVar (database versions not stated): gnomAD exomes 0.00011; ExAC 0.00014; gnomAD 0.00014; TOPMed 0.00015.
gnomAD v4.1: 209 of 1,614,064 alleles (0.013%); highest among the groups gnomAD compares: Admixed American, 0.052%; no homozygotes.

Submissions (2):

Ambry Genetics
Classification: Likely benign for Inborn genetic diseases. Last evaluated: 2022-09-22. Review status: criteria provided, single submitter. Criteria: Ambry Variant Classification Scheme 2023. Collection method: clinical testing. Allele origin: germline.

PreventionGenetics, part of Exact Sciences
Classification: Likely benign for BPTF-related condition. Last evaluated: 2020-11-02. Review status: no assertion criteria provided. Collection method: clinical testing. Allele origin: germline. Not counted in ClinVar's aggregate classification.
Comment: This variant is classified as likely benign based on ACMG/AMP sequence variant interpretation guidelines (Richards et al. 2015 PMID: 25741868, with internal and published modifications).